The following is an entry in ClinVar:

ClinVar aggregate classification (germline): Uncertain significance (1 of 4 stars; one submission).

Submission:

GeneDx
Classification: Uncertain significance. Last evaluated: 2026-03-04. Review status: criteria provided, single submitter. Criteria: GeneDx Variant Classification Process June 2021. Collection method: clinical testing. Allele origin: germline.
Comment: Not observed at significant frequency in large population cohorts (gnomAD); Canonical splice site variant in a gene or region of a gene for which loss of function is not a well-established mechanism of disease; Has not been previously published as pathogenic or benign to our knowledge

NM_145331.3(MAP3K7):c.298-1G>C

Gene: MAP3K7 (mitogen-activated protein kinase kinase kinase 7; minus strand). Cytogenetic location: 6q15.
Variant type: single nucleotide variant.
Coding change: c.298-1G>C on transcript NM_145331.3 (MANE Select); the canonical splice acceptor site of the intron before coding-DNA position 298, G replaced by C.
Molecular consequence: splice acceptor variant.
Genome position (GRCh38, 1-based): chr6:90,561,668, C>G on the plus strand (G>C on the coding strand, the complement: MAP3K7 is on the minus strand). VCF-style: chr6-90561668-C-G. GRCh37 (hg19) VCF-style: chr6-91271387-C-G.
Other names: c.298-1G>C (NM_145333.3, NM_003188.4, NM_145332.3).
Identifiers: ClinVar variation 5008569 (VCV005008569.1).
Genomic context (GRCh38, chr6:90,561,668, plus strand): 5'-CTAATGACACTCACCATTATATAAAGAGCCCCCTTCAGCATATTCCATCACAAGACACAC[C>G]TAAAGGAAACATATATCAGAAGCATTAACCAAGAAGCTCCATCATCTTAGGGCCTTTGAG-3'